The following is an entry in ClinVar:

NM_002109.6(HARS1):c.104T>C (p.Val35Ala)

Gene: HARS1 (histidyl-tRNA synthetase 1; minus strand). Cytogenetic location: 5q31.3.
Variant type: single nucleotide variant.
Coding change: c.104T>C on transcript NM_002109.6 (MANE Select); coding-DNA position 104, T replaced by C.
Protein change: p.Val35Ala; replaces valine 35 with alanine.
Molecular consequence: missense variant.
Genome position (GRCh38, 1-based): chr5:140,690,931, A>G on the plus strand (T>C on the coding strand, the complement: HARS1 is on the minus strand). VCF-style: chr5-140690931-A-G. GRCh37 (hg19) VCF-style: chr5-140070516-A-G.
Other names: c.104T>C (NM_002109.3); c.104T>C, p.Val35Ala (NM_001258040.3, NM_001258041.3, NM_001258042.3 and 2 more transcripts); c.17T>C, p.Val6Ala (NM_001289094.2); short protein forms V35A, V6A.
Identifiers: ClinVar variation 1680374 (VCV001680374.9), dbSNP rs1581532058, ClinGen allele CA361191512.

ClinVar aggregate classification (germline): Uncertain significance. Review status: criteria provided, multiple submitters, no conflicts (2 of 4 stars). 2 submissions from 2 submitters: Uncertain significance (2). Last evaluated 2022-08-12.

Conditions:
Usher syndrome type 3B. Also called: USHER SYNDROME, TYPE IIIB. Identifiers: MedGen C3281066, MONDO:0013788, OMIM 614504.

Submissions (2):

Ambry Genetics
Classification: Uncertain significance. Last evaluated: 2022-08-12. Review status: criteria provided, single submitter. Criteria: Ambry Variant Classification Scheme 2023. Collection method: clinical testing. Allele origin: germline.

Labcorp Genetics (formerly Invitae), Labcorp
Classification: Uncertain significance for Usher syndrome type 3B. Last evaluated: 2022-03-28. Review status: criteria provided, single submitter. Criteria: Invitae Variant Classification Sherloc (09022015). Collection method: clinical testing. Allele origin: germline.
Comment: Algorithms developed to predict the effect of missense changes on protein structure and function are either unavailable or do not agree on the potential impact of this missense change (SIFT: "Tolerated"; PolyPhen-2: "Possibly Damaging"; Align-GVGD: "Class C0"). In summary, the available evidence is currently insufficient to determine the role of this variant in disease. Therefore, it has been classified as a Variant of Uncertain Significance. This variant has not been reported in the literature in individuals affected with HARS-related conditions. This variant is not present in population databases (gnomAD no frequency). This sequence change replaces valine, which is neutral and non-polar, with alanine, which is neutral and non-polar, at codon 35 of the HARS protein (p.Val35Ala).